The following is an entry in ClinVar:

ClinVar aggregate classification (germline): Uncertain significance (1 of 4 stars; one submission).

Submission:

GeneDx
Classification: Uncertain significance. Last evaluated: 2025-08-06. Review status: criteria provided, single submitter. Criteria: GeneDx Variant Classification Process June 2021. Collection method: clinical testing. Allele origin: germline. Affected: yes.
Comment: Not observed at significant frequency in large population cohorts (gnomAD); In silico analysis suggests that this missense variant does not alter protein structure/function; Has not been previously published as pathogenic or benign to our knowledge

NM_001127644.2(GABRA1):c.271G>T (p.Val91Leu)

Gene: GABRA1 (gamma-aminobutyric acid type A receptor subunit alpha1; plus strand). Cytogenetic location: 5q34.
Variant type: single nucleotide variant.
Coding change: c.271G>T on transcript NM_001127644.2 (MANE Select); coding-DNA position 271, G replaced by T.
Protein change: p.Val91Leu; replaces valine 91 with leucine.
Molecular consequence: missense variant.
Genome position (GRCh38, 1-based): chr5:161,873,132, G>T. VCF-style: chr5-161873132-G-T. GRCh37 (hg19) VCF-style: chr5-161300138-G-T.
Other names: c.271G>T, p.Val91Leu (NM_000806.5, NM_001127643.2, NM_001127645.2 and 1 more transcripts); short protein forms V91L.
Identifiers: ClinVar variation 4755780 (VCV004755780.1).
Genomic context (GRCh38, chr5:161,873,132, plus strand): 5'-AAATACAGCACAGTGAACTCTTCGTCATTTTCCAAAATTACCTAGGAATATACAATAGAT[G>T]TATTTTTCCGTCAAAGCTGGAAGGATGAAAGGTTAAAATTTAAAGGACCTATGACAGTCC-3'
Protein context (NP_001121116.1, residues 81-101): SDHDMEYTID[Val91Leu]FFRQSWKDER